The following is an entry in ClinVar:

ClinVar aggregate classification (germline): Uncertain significance (1 of 4 stars; one submission).

Allele frequency attached by ClinVar (database versions not stated): TOPMed 0.00002.

Submission:

Labcorp Genetics (formerly Invitae), Labcorp
Classification: Uncertain significance. Last evaluated: 2025-12-16. Review status: criteria provided, single submitter. Criteria: Invitae Variant Classification Sherloc (09022015). Collection method: clinical testing. Allele origin: germline.
Comment: This sequence change replaces arginine, which is basic and polar, with histidine, which is basic and polar, at codon 208 of the CDK13 protein (p.Arg208His). This variant is not present in population databases (gnomAD no frequency). This variant has not been reported in the literature in individuals affected with CDK13-related conditions. ClinVar contains an entry for this variant (Variation ID: 2799599). Invitae Evidence Modeling of protein sequence and biophysical properties (such as structural, functional, and spatial information, amino acid conservation, physicochemical variation, residue mobility, and thermodynamic stability) has been performed for this missense variant. However, the output from this modeling did not meet the statistical confidence thresholds required to predict the impact of this variant on CDK13 protein function. In summary, the available evidence is currently insufficient to determine the role of this variant in disease. Therefore, it has been classified as a Variant of Uncertain Significance.

NM_003718.5(CDK13):c.623G>A (p.Arg208His)

Gene: CDK13 (cyclin dependent kinase 13; plus strand). Cytogenetic location: 7p14.1.
Variant type: single nucleotide variant.
Coding change: c.623G>A on transcript NM_003718.5 (MANE Select); coding-DNA position 623, G replaced by A.
Protein change: p.Arg208His; replaces arginine 208 with histidine.
Molecular consequence: missense variant.
Genome position (GRCh38, 1-based): chr7:39,951,264, G>A. VCF-style: chr7-39951264-G-A. GRCh37 (hg19) VCF-style: chr7-39990863-G-A.
Other names: c.623G>A, p.Arg208His (NM_031267.4); short protein forms R208H.
Identifiers: ClinVar variation 2799599 (VCV002799599.3), dbSNP rs1270010366, ClinGen allele CA367310120.